The following is an entry in ClinVar:

ClinVar aggregate classification (germline): other (0 of 4 stars; one submission).

Conditions:
Familial colorectal cancer. Identifiers: MedGen CN280943, MONDO:0023113. Disease mechanism: loss of function.

Submission:

Systems Biology Platform Zhejiang California International NanoSystems Institute
Classification: other for Familial colorectal cancer. Review status: no assertion criteria provided. Collection method: not provided. Allele origin: unknown.
ClinVar note: Converted during submission from cancer to other.

NM_000038.6(APC):c.422+1016A>C

Gene: APC (APC regulator of WNT signaling pathway; plus strand). Cytogenetic location: 5q22.2.
Variant type: single nucleotide variant.
Coding change: c.422+1016A>C on transcript NM_000038.6 (MANE Select); 1016 bases into the intron after coding-DNA position 422, A replaced by C.
Molecular consequence: intron variant.
Genome position (GRCh38, 1-based): chr5:112,768,406, A>C. VCF-style: chr5-112768406-A-C. GRCh37 (hg19) VCF-style: chr5-112104103-A-C.
Other names: c.422+1016A>C (NM_001354895.2, NM_001127510.3, NM_001354896.2 and 2 more transcripts); c.452+1016A>C (NM_001354897.2, NM_001354902.2, NM_001127511.3); c.347+1016A>C (NM_001354898.2, NM_001354904.2); c.-614+1016A>C (NM_001354906.2); c.245+1016A>C (NM_001354900.2, NM_001354901.2, NM_001354905.2).
Identifiers: ClinVar variation 82407 (VCV000082407.2), dbSNP rs77664494, ClinGen allele CA008986.
Genomic context (GRCh38, chr5:112,768,406, plus strand): 5'-AGACTCTGTCTCTTTACCAAAAAAAAAAAAAGAAAAAAAGTAGTAACTGGATTTTTATTG[A>C]ATTTCTGATTATCTATTGAAGTATATTCAGTAACTACTAGATTCAGTAAAAGATGACTCT-3'